The following is an entry in ClinVar:

NM_002180.3(IGHMBP2):c.644C>G (p.Pro215Arg)

Gene: IGHMBP2 (immunoglobulin mu DNA binding protein 2; plus strand). Cytogenetic location: 11q13.3.
Variant type: single nucleotide variant.
Coding change: c.644C>G on transcript NM_002180.3 (MANE Select); coding-DNA position 644, C replaced by G.
Protein change: p.Pro215Arg; replaces proline 215 with arginine.
Molecular consequence: missense variant.
Genome position (GRCh38, 1-based): chr11:68,911,536, C>G. VCF-style: chr11-68911536-C-G. GRCh37 (hg19) VCF-style: chr11-68679004-C-G.
Other names: short protein forms P215R.
Identifiers: ClinVar variation 1041494 (VCV001041494.6), dbSNP rs752135303, ClinGen allele CA6153351.

ClinVar aggregate classification (germline): Uncertain significance (1 of 4 stars; one submission).

Conditions:
Autosomal recessive distal spinal muscular atrophy 1. Also called: SEVERE INFANTILE AXONAL NEUROPATHY WITH RESPIRATORY FAILURE; Spinal muscular atrophy with respiratory distress 1; HMN VI; NEURONOPATHY, SEVERE INFANTILE AXONAL, WITH RESPIRATORY FAILURE; SPINAL MUSCULAR ATROPHY, DIAPHRAGMATIC; NEURONOPATHY, DISTAL HEREDITARY MOTOR, HARDING TYPE VI. Identifiers: Orphanet 98920, MedGen C1858517, MONDO:0011436, OMIM 604320.
Charcot-Marie-Tooth disease axonal type 2S. Also called: CHARCOT-MARIE-TOOTH NEUROPATHY, TYPE 2S; CHARCOT-MARIE-TOOTH DISEASE, AXONAL, AUTOSOMAL RECESSIVE, TYPE 2S. Identifiers: Orphanet 443073, MedGen C4015349, MONDO:0014511, OMIM 616155.

Allele frequency attached by ClinVar (database versions not stated): gnomAD exomes below 0.00001; ExAC 0.00001.
gnomAD v4.1: 5 of 1,614,098 alleles (0.00031%); highest among the groups gnomAD compares: South Asian, 0.0022%; no homozygotes.

Submission:

Labcorp Genetics (formerly Invitae), Labcorp
Classification: Uncertain significance for Autosomal recessive distal spinal muscular atrophy 1; Charcot-Marie-Tooth disease axonal type 2S. Last evaluated: 2021-09-01. Review status: criteria provided, single submitter. Criteria: Invitae Variant Classification Sherloc (09022015). Collection method: clinical testing. Allele origin: germline.
Comment: This sequence change replaces proline with arginine at codon 215 of the IGHMBP2 protein (p.Pro215Arg). The proline residue is highly conserved and there is a moderate physicochemical difference between proline and arginine. This variant is present in population databases (rs752135303, ExAC 0.006%). This variant has not been reported in the literature in individuals affected with IGHMBP2-related conditions. Algorithms developed to predict the effect of missense changes on protein structure and function are either unavailable or do not agree on the potential impact of this missense change (SIFT: "Deleterious"; PolyPhen-2: "Probably Damaging"; Align-GVGD: "Class C0"). In summary, the available evidence is currently insufficient to determine the role of this variant in disease. Therefore, it has been classified as a Variant of Uncertain Significance.